The following is an entry in ClinVar:

ClinVar aggregate classification (germline): Likely pathogenic (1 of 4 stars; one submission).

Conditions:
COG5-congenital disorder of glycosylation. Also called: CDG IIi; CONGENITAL DISORDER OF GLYCOSYLATION, TYPE IIi; COG5-CDG. Identifiers: Orphanet 263487, MedGen C3150876, MONDO:0013325, OMIM 613612.

Submission:

Labcorp Genetics (formerly Invitae), Labcorp
Classification: Likely pathogenic for COG5-congenital disorder of glycosylation. Last evaluated: 2022-08-23. Review status: criteria provided, single submitter. Criteria: Invitae Variant Classification Sherloc (09022015). Collection method: clinical testing. Allele origin: germline.
Comment: This variant results in a copy number gain of the genomic region encompassing exon(s) 15-17 of the COG5 gene. While the exact position of this variant cannot be determined from the data, sub-genic copy number gains are generally in tandem (PMID: 25640679). This variant is predicted to be out-of-frame, and may result in an absent or disrupted protein product. Loss-of-function variants in COG5 are known to be pathogenic (PMID: 23228021). This variant has not been reported in the literature in individuals affected with COG5-related conditions. In summary, the currently available evidence indicates that the variant is pathogenic, but additional data are needed to prove that conclusively. Therefore, this variant has been classified as Likely Pathogenic.

Literature cited by the submitters: PubMed 25640679; PubMed 23228021.

NC_000007.13:g.(?_106888821)_(106898848_?)dup

Gene: COG5 (component of oligomeric golgi complex 5; minus strand). Cytogenetic location: 7q22.3.
Variant type: Duplication.
Identifiers: ClinVar variation 1516056 (VCV001516056.5).